The following is an entry in ClinVar:

ClinVar aggregate classification (germline): Pathogenic (1 of 4 stars; one submission).

Conditions:
Spastic paraplegia. Identifiers: MedGen C0037772, HP:0001258.

Submission:

Labcorp Genetics (formerly Invitae), Labcorp
Classification: Pathogenic for Spastic paraplegia. Last evaluated: 2018-06-11. Review status: criteria provided, single submitter. Criteria: Invitae Variant Classification Sherloc (09022015). Collection method: clinical testing. Allele origin: germline.
Comment: This sequence change creates a premature translational stop signal (p.Cys389*) in the RTN2 gene. It is expected to result in an absent or disrupted protein product. This variant is not present in population databases (ExAC no frequency). This variant has not been reported in the literature in individuals with RTN2-related disease. Loss-of-function variants in RTN2 are known to be pathogenic (PMID: 22232211, 27165006). For these reasons, this variant has been classified as Pathogenic.

Literature cited by the submitters: PubMed 22232211; PubMed 27165006.

NM_005619.5(RTN2):c.1167C>A (p.Cys389Ter)

Genes: RTN2 (reticulon 2; minus strand), OPA3-RTN2 (OPA3-RTN2 readthrough; minus strand). Cytogenetic location: 19q13.32.
Variant type: single nucleotide variant.
Coding change: c.1167C>A on transcript NM_005619.5 (MANE Select); coding-DNA position 1167, C replaced by A.
Protein change: p.Cys389Ter; replaces cysteine 389 with a stop codon.
Molecular consequence: nonsense.
Genome position (GRCh38, 1-based): chr19:45,489,420, G>T on the plus strand (C>A on the coding strand, the complement: RTN2 is on the minus strand). VCF-style: chr19-45489420-G-T. GRCh37 (hg19) VCF-style: chr19-45992678-G-T.
Other names: c.948C>A, p.Cys316Ter (NM_206900.3); c.147C>A, p.Cys49Ter (NM_206901.3); short protein forms C316*, C389*, C49*.
Identifiers: ClinVar variation 1073870 (VCV001073870.7), dbSNP rs758370815, ClinGen allele CA406356449.
Genomic context (GRCh38, chr19:45,489,420, plus strand): 5'-TCCATCCCCCCGGTGCACGGCCTGCAGCACTTTGCGGTAAACCCTGAGAGAGATGGTGCC[G>T]CAGAGCAGCAACAGAGCCAAGTGCGCGGCCACGGACACGATGCTAAAGTGCAGGAGGCAG-3'